The following is an entry in ClinVar:

NM_001018113.3(FANCB):c.2330T>C (p.Ile777Thr)

Gene: FANCB (FA complementation group B; minus strand). Cytogenetic location: Xp22.2.
Variant type: single nucleotide variant.
Coding change: c.2330T>C on transcript NM_001018113.3 (MANE Select); coding-DNA position 2330, T replaced by C.
Protein change: p.Ile777Thr; replaces isoleucine 777 with threonine.
Molecular consequence: missense variant.
Genome position (GRCh38, 1-based): chrX:14,843,817, A>G on the plus strand (T>C on the coding strand, the complement: FANCB is on the minus strand). VCF-style: chrX-14843817-A-G. GRCh37 (hg19) VCF-style: chrX-14861939-A-G.
Other names: c.2330T>C, p.Ile777Thr (NM_001324162.2, NM_001410764.1, NM_152633.4); short protein forms I777T.
Identifiers: ClinVar variation 2704358 (VCV002704358.3), dbSNP rs2518946707, ClinGen allele CA412437652.

ClinVar aggregate classification (germline): Uncertain significance (1 of 4 stars; one submission).

Conditions:
Fanconi anemia (FA). Also called: Fanconi's anemia. Identifiers: Orphanet 84, MedGen C0015625, MeSH D005199, MONDO:0019391.

Submission:

Labcorp Genetics (formerly Invitae), Labcorp
Classification: Uncertain significance for Fanconi anemia. Last evaluated: 2023-12-19. Review status: criteria provided, single submitter. Criteria: Invitae Variant Classification Sherloc (09022015). Collection method: clinical testing. Allele origin: germline.
Comment: This sequence change replaces isoleucine, which is neutral and non-polar, with threonine, which is neutral and polar, at codon 777 of the FANCB protein (p.Ile777Thr). This variant is not present in population databases (gnomAD no frequency). This variant has not been reported in the literature in individuals affected with FANCB-related conditions. Advanced modeling of protein sequence and biophysical properties (such as structural, functional, and spatial information, amino acid conservation, physicochemical variation, residue mobility, and thermodynamic stability) performed at Invitae indicates that this missense variant is not expected to disrupt FANCB protein function with a negative predictive value of 80%. Algorithms developed to predict the effect of sequence changes on RNA splicing suggest that this variant may create or strengthen a splice site. In summary, the available evidence is currently insufficient to determine the role of this variant in disease. Therefore, it has been classified as a Variant of Uncertain Significance.